The following is an entry in ClinVar:

ClinVar aggregate classification (germline): Likely benign (1 of 4 stars; one submission).

Allele frequency attached by ClinVar (database versions not stated): gnomAD exomes 0.00001.
gnomAD v4.1: 2 of 1,111,726 alleles (0.00018%); highest among the groups gnomAD compares: South Asian, 0.0049%; no homozygotes.

Submission:

CeGaT Center for Human Genetics Tuebingen
Classification: Likely benign. Last evaluated: 2023-02-01. Review status: criteria provided, single submitter. Criteria: CeGaT Center For Human Genetics Tuebingen Variant Classification Criteria Version 2. Collection method: clinical testing. Allele origin: germline. Affected: yes. Observed: 1 variant allele.
Comment: SLC38A5: BP4, BP7

NM_033518.4(SLC38A5):c.1311G>A (p.Lys437=)

Gene: SLC38A5 (solute carrier family 38 member 5; minus strand). Cytogenetic location: Xp11.23.
Variant type: single nucleotide variant.
Coding change: c.1311G>A on transcript NM_033518.4 (MANE Select); coding-DNA position 1311, G replaced by A.
Protein change: p.Lys437=; no amino-acid change (lysine 437 retained).
Molecular consequence: synonymous variant.
Genome position (GRCh38, 1-based): chrX:48,459,542, C>T on the plus strand (G>A on the coding strand, the complement: SLC38A5 is on the minus strand). VCF-style: chrX-48459542-C-T. GRCh37 (hg19) VCF-style: chrX-48317928-C-T.
Identifiers: ClinVar variation 2660451 (VCV002660451.24), dbSNP rs1556961374, ClinGen allele CA516008132.
Genomic context (GRCh38, chrX:48,459,542, plus strand): 5'-CACTCCCTCCTTGGAGTGCTCCCTCTCTCCCTAGCTCTGCCCTGGAATGCTTACCTGGAT[C>T]TTGGGCCAGGATAAGAAAGGCTCCACCTCAGAGGGTACAATGCGGAGGTAGAAGATGCTG-3'
Protein context (NP_277053.2, residues 427-447): SEVEPFLSWP[Lys437=]IQALCFGVLG